The following is an entry in ClinVar:

ClinVar aggregate classification (germline): Uncertain significance. Review status: criteria provided, single submitter (1 of 4 stars). 2 submissions from 2 submitters: Uncertain significance (1). 1 of the submissions does not count toward it. Last evaluated 2018-07-25.

Conditions:
Hypodontia. Also called: Partial congenital absence of teeth; Tooth agenesis, selective. Identifiers: Orphanet 99798, MedGen C0020608, MONDO:0005486, HP:0000668. Disease mechanism: loss of function.
Tooth agenesis, selective, 3 (STHAG3). Also called: HYPODONTIA/OLIGODONTIA 3. Identifiers: Orphanet 99798, MedGen C1970291, MONDO:0011477, OMIM 604625. Disease mechanism: loss of function.

gnomAD v4.1: 1 of 1,613,988 alleles (0.000062%); highest among the groups gnomAD compares: African/African-American, 0.0013%; no homozygotes.

Submissions (2):

Labcorp Genetics (formerly Invitae), Labcorp
Classification: Uncertain significance for Hypodontia. Last evaluated: 2018-07-25. Review status: criteria provided, single submitter. Criteria: Invitae Variant Classification Sherloc (09022015). Collection method: clinical testing. Allele origin: germline.
Comment: This sequence change replaces isoleucine with phenylalanine at codon 87 of the PAX9 protein (p.Ile87Phe). The isoleucine residue is highly conserved and there is a small physicochemical difference between isoleucine and phenylalanine. This variant is not present in population databases (ExAC no frequency). This variant has been observed to segregate with oligodontia in one family (PMID: 16479262). ClinVar contains an entry for this variant (Variation ID: 13775). Experimental studies have shown that this missense change impairs protein stability and DNA binding activities of the PAX9 protien (PMID: 16479262). In summary, the available evidence is currently insufficient to determine the role of this variant in disease. Therefore, it has been classified as a Variant of Uncertain Significance.

OMIM
Classification: Pathogenic for TOOTH AGENESIS, SELECTIVE, 3. Last evaluated: 2009-08-01. Review status: no assertion criteria provided. Collection method: literature only. Allele origin: germline. Not counted in ClinVar's aggregate classification.

Literature cited by the submitters: PubMed 16479262 (cited by Labcorp Genetics (formerly Invitae), Labcorp and OMIM); PubMed 19429910 (cited by OMIM).

NM_001372076.1(PAX9):c.259A>T (p.Ile87Phe)

Gene: PAX9 (paired box 9; plus strand). Cytogenetic location: 14q13.3.
Variant type: single nucleotide variant.
Coding change: c.259A>T on transcript NM_001372076.1 (MANE Select); coding-DNA position 259, A replaced by T.
Protein change: p.Ile87Phe; replaces isoleucine 87 with phenylalanine.
Molecular consequence: missense variant.
Genome position (GRCh38, 1-based): chr14:36,663,151, A>T. VCF-style: chr14-36663151-A-T. GRCh37 (hg19) VCF-style: chr14-37132356-A-T.
Other names: c.259A>T, p.Ile87Phe (NM_006194.4); short protein forms I87F.
Identifiers: ClinVar variation 13775 (VCV000013775.9), dbSNP rs104894468, ClinGen allele CA123451.